The following is an entry in ClinVar:

NM_001292063.2(OTOG):c.1763C>G (p.Pro588Arg)

Gene: OTOG (otogelin; plus strand). Cytogenetic location: 11p15.1.
Variant type: single nucleotide variant.
Coding change: c.1763C>G on transcript NM_001292063.2 (MANE Select); coding-DNA position 1763, C replaced by G.
Protein change: p.Pro588Arg; replaces proline 588 with arginine.
Molecular consequence: missense variant.
Genome position (GRCh38, 1-based): chr11:17,569,274, C>G. VCF-style: chr11-17569274-C-G. GRCh37 (hg19) VCF-style: chr11-17590821-C-G.
Other names: c.1799C>G, p.Pro600Arg (NM_001277269.2); short protein forms P588R, P600R.
Identifiers: ClinVar variation 2038745 (VCV002038745.4), dbSNP rs761140268, ClinGen allele CA379819540.

ClinVar aggregate classification (germline): Uncertain significance (1 of 4 stars; one submission).

Submission:

Labcorp Genetics (formerly Invitae), Labcorp
Classification: Uncertain significance. Last evaluated: 2025-08-15. Review status: criteria provided, single submitter. Criteria: Invitae Variant Classification Sherloc (09022015). Collection method: clinical testing. Allele origin: germline.
Comment: This sequence change replaces proline, which is neutral and non-polar, with arginine, which is basic and polar, at codon 600 of the OTOG protein (p.Pro600Arg). This variant is not present in population databases (gnomAD no frequency). This missense change has been observed in individual(s) with deafness (internal data). ClinVar contains an entry for this variant (Variation ID: 2038745). An algorithm developed to predict the effect of missense changes on protein structure and function (PolyPhen-2) suggests that this variant is likely to be disruptive. In summary, the available evidence is currently insufficient to determine the role of this variant in disease. Therefore, it has been classified as a Variant of Uncertain Significance.